The following is an entry in ClinVar:

ClinVar aggregate classification (germline): Likely pathogenic (1 of 4 stars; one submission).

Conditions:
Okur-Chung neurodevelopmental syndrome (OCNDS). Identifiers: Orphanet 689422, MedGen C4310739, MONDO:0014893, OMIM 617062.

Submission:

Dasa
Classification: Likely pathogenic for Okur-Chung neurodevelopmental syndrome. Last evaluated: 2026-01-03. Review status: criteria provided, single submitter. Criteria: DASA Assertion Criteria. Collection method: clinical testing. Allele origin: germline.
Comment: NM_177559.3(CSNK2A1):c.967del (p.Tyr323Ilefs*6) is a frameshift variant in CSNK2A1 predicted to alter the reading frame and introduce a premature termination codon and is predicted to result in an absent or altered protein product. Loss of function is an established disease mechanism for CSNK2A1-associated disorders. Also, this variant is absent from population databases. Based on the currently available evidence, this variant is classified as likely pathogenic.

NM_177559.3(CSNK2A1):c.967del (p.Tyr323fs)

Gene: CSNK2A1 (casein kinase 2 alpha 1; minus strand). Cytogenetic location: 20p13.
Variant type: Deletion.
Coding change: c.967del on transcript NM_177559.3 (MANE Select); coding-DNA position 967, one base deleted (T; older notation c.967delT).
Protein change: p.Tyr323fs; shifts the reading frame from tyrosine 323.
Molecular consequence: frameshift variant.
Genome position (GRCh38, 1-based): chr20:487,433, A deleted on the plus strand (T on the coding strand, the reverse complement: CSNK2A1 is on the minus strand). VCF-style (leftmost placement, unchanged base first): chr20-487432-TA-T. GRCh37 (hg19) VCF-style: chr20-468076-TA-T.
Other names: c.967del, p.Tyr323fs (NM_001362770.2, NM_001362771.2, NM_001895.4); c.559del, p.Tyr187fs (NM_177560.3); short protein forms Y187fs, Y323fs.
Identifiers: ClinVar variation 4884222 (VCV004884222.2).